The following is an entry in ClinVar:

NM_000744.7(CHRNA4):c.1001C>T (p.Ser334Leu)

Gene: CHRNA4 (cholinergic receptor nicotinic alpha 4 subunit; minus strand). Cytogenetic location: 20q13.33.
Variant type: single nucleotide variant.
Coding change: c.1001C>T on transcript NM_000744.7 (MANE Select); coding-DNA position 1001, C replaced by T.
Protein change: p.Ser334Leu; replaces serine 334 with leucine.
Molecular consequence: missense variant. On other transcripts: non-coding transcript variant (1).
Genome position (GRCh38, 1-based): chr20:63,350,410, G>A on the plus strand (C>T on the coding strand, the complement: CHRNA4 is on the minus strand). VCF-style: chr20-63350410-G-A. GRCh37 (hg19) VCF-style: chr20-61981762-G-A.
Other names: c.473C>T, p.Ser158Leu (NM_001256573.2); short protein forms S334L, S158L.
Identifiers: ClinVar variation 98300 (VCV000098300.10), dbSNP rs121912262, ClinGen allele CA150380.

ClinVar aggregate classification (germline): Uncertain significance. Review status: criteria provided, single submitter (1 of 4 stars). 2 submissions from 2 submitters: Uncertain significance (1). 1 of the submissions does not count toward it. Last evaluated 2026-01-12.

Conditions:
Tobacco use disorder. Identifiers: MedGen C0040336.
Familial sleep-related hypermotor epilepsy. Also called: Autosomal Dominant Sleep-Related Hypermotor (Hyperkinetic) Epilepsy. Identifiers: Orphanet 98784, MedGen C3696898, MONDO:0000030.

Allele frequency attached by ClinVar (database versions not stated): gnomAD 0.00001; ExAC 0.00002; ESP Exome Variant Server 0.00008; gnomAD exomes 0.00001 and 0.00002; TOPMed 0.00002.
gnomAD v4.1: 23 of 1,613,816 alleles (0.0014%); highest among the groups gnomAD compares: South Asian, 0.0022%; no homozygotes.

Submissions (2):

Labcorp Genetics (formerly Invitae), Labcorp
Classification: Uncertain significance. Last evaluated: 2026-01-12. Review status: criteria provided, single submitter. Criteria: Invitae Variant Classification Sherloc (09022015). Collection method: clinical testing. Allele origin: germline.
Comment: This sequence change replaces serine, which is neutral and polar, with leucine, which is neutral and non-polar, at codon 334 of the CHRNA4 protein (p.Ser334Leu). This variant is present in population databases (rs121912262, gnomAD 0.004%). This variant has not been reported in the literature in individuals affected with CHRNA4-related conditions. This missense change has been observed in at least one individual who was not affected with CHRNA4-related conditions (internal data). ClinVar contains an entry for this variant (Variation ID: 98300). Invitae Evidence Modeling of protein sequence and biophysical properties (such as structural, functional, and spatial information, amino acid conservation, physicochemical variation, residue mobility, and thermodynamic stability) indicates that this missense variant is expected to disrupt CHRNA4 protein function with a positive predictive value of 80%. In summary, the available evidence is currently insufficient to determine the role of this variant in disease. Therefore, it has been classified as a Variant of Uncertain Significance.

Psychiatry Genetics Yale University
No classification provided. Review status: no classification provided. Collection method: not provided. Allele origin: somatic. Not counted in ClinVar's aggregate classification.